The following is an entry in ClinVar:

NM_001999.4(FBN2):c.3116A>T (p.Glu1039Val)

Genes: FBN2 (fibrillin 2; minus strand), LOC126807501 (BRD4-independent group 4 enhancer GRCh37_chr5:127680731-127681930; plus strand). Cytogenetic location: 5q23.3.
Variant type: single nucleotide variant.
Coding change: c.3116A>T on transcript NM_001999.4 (MANE Select); coding-DNA position 3116, A replaced by T.
Protein change: p.Glu1039Val; replaces glutamic acid 1039 with valine.
Molecular consequence: missense variant.
Genome position (GRCh38, 1-based): chr5:128,345,458, T>A on the plus strand (A>T on the coding strand, the complement: FBN2 is on the minus strand). VCF-style: chr5-128345458-T-A. GRCh37 (hg19) VCF-style: chr5-127681150-T-A.
Other names: short protein forms E1039V.
Identifiers: ClinVar variation 391874 (VCV000391874.4), dbSNP rs1057524269, ClinGen allele CA16604792.

ClinVar aggregate classification (germline): Uncertain significance (1 of 4 stars; one submission).

Allele frequency attached by ClinVar (database versions not stated): TOPMed below 0.00001 and 0.00001; gnomAD 0.00001.
gnomAD v4.1: 1 of 1,613,854 alleles (0.000062%); highest among the groups gnomAD compares: Non-Finnish European, 0.000085%; no homozygotes.

Submission:

GeneDx
Classification: Uncertain significance. Last evaluated: 2019-04-24. Review status: criteria provided, single submitter. Criteria: GeneDx Variant Classification Process June 2021. Collection method: clinical testing. Allele origin: germline. Affected: yes.
Comment: Has not been previously published as pathogenic or benign to our knowledge; Not observed in large population cohorts (Lek et al., 2016); Identified in conjunction with additional variants in individuals referred for connective tissue disorder genetic testing at GeneDx; segregation data is absent at this time; In silico analysis, which includes protein predictors and evolutionary conservation, supports a deleterious effect; In-silico splicing algorithms suggest this variant results in the creation of a cryptic splice donor site; in the absence of RNA/functional studies, the actual effect of this sequence change is unknown; Does not affect a cysteine residue within a calcium-binding EGF-like domain of the FBN2 gene; cysteine substitutions in the calcium-binding EGF-like domains represent the majority of pathogenic missense changes associated with FBN2-related disorders (Collod-Beroud et al., 2003; Frederic et al., 2009)